The following is an entry in ClinVar:

NM_014870.4(ZBTB40):c.801G>A (p.Met267Ile)

Gene: ZBTB40 (zinc finger and BTB domain containing 40; plus strand). Cytogenetic location: 1p36.12.
Variant type: single nucleotide variant.
Coding change: c.801G>A on transcript NM_014870.4 (MANE Select); coding-DNA position 801, G replaced by A.
Protein change: p.Met267Ile; replaces methionine 267 with isoleucine.
Molecular consequence: missense variant.
Genome position (GRCh38, 1-based): chr1:22,491,503, G>A. VCF-style: chr1-22491503-G-A. GRCh37 (hg19) VCF-style: chr1-22817996-G-A.
Other names: c.801G>A, p.Met267Ile (NM_001083621.2, NM_001330398.2); short protein forms M267I.
Identifiers: ClinVar variation 784937 (VCV000784937.6), dbSNP rs36115661, ClinGen allele CA675698.

ClinVar aggregate classification (germline): Benign. Review status: criteria provided, multiple submitters, no conflicts (2 of 4 stars). 3 submissions from 3 submitters: Benign (2). 1 of the submissions does not count toward it. Last evaluated 2018-02-26.

Conditions:
ZBTB40-related disorder. Also called: ZBTB40-related condition.

Allele frequency attached by ClinVar (database versions not stated): gnomAD exomes 0.00276 and 0.00728; ExAC 0.00884; 1000 Genomes Project 0.02935; gnomAD 0.02775 and 0.02964; 1000 Genomes Project 30x 0.03232; TOPMed 0.03107; ESP Exome Variant Server 0.03091.
gnomAD v4.1: 8,493 of 1,613,948 alleles (0.53%); highest among the groups gnomAD compares: African/African-American, 9.5%; 376 homozygotes.

Submissions (3):

Labcorp Genetics (formerly Invitae), Labcorp
Classification: Benign. Last evaluated: 2018-02-26. Review status: criteria provided, single submitter. Criteria: Invitae Variant Classification Sherloc (09022015). Collection method: clinical testing. Allele origin: germline.

Breakthrough Genomics
Classification: Benign. Review status: criteria provided, single submitter. Criteria: ACMG Guidelines, 2015. Collection method: not provided. Allele origin: germline. Inheritance: Unknown mechanism. Affected: yes.

PreventionGenetics, part of Exact Sciences
Classification: Benign for ZBTB40-related condition. Last evaluated: 2019-05-20. Review status: no assertion criteria provided. Collection method: clinical testing. Allele origin: germline. Not counted in ClinVar's aggregate classification.
Comment: This variant is classified as benign based on ACMG/AMP sequence variant interpretation guidelines (Richards et al. 2015 PMID: 25741868, with internal and published modifications).